The following is an entry in ClinVar:

ClinVar aggregate classification (germline): Uncertain significance. Review status: criteria provided, multiple submitters, no conflicts (2 of 4 stars). 3 submissions from 3 submitters: Uncertain significance (3). Last evaluated 2024-03-06.

Conditions:
Catecholaminergic polymorphic ventricular tachycardia 1. Also called: VENTRICULAR TACHYCARDIA, CATECHOLAMINERGIC POLYMORPHIC, 1, WITH OR WITHOUT ATRIAL DYSFUNCTION AND/OR DILATED CARDIOMYOPATHY; VENTRICULAR TACHYCARDIA, STRESS-INDUCED POLYMORPHIC 1; RYR2-Related Catecholaminergic Polymorphic Ventricular Tachycardia. Identifiers: Orphanet 3286, MedGen C1631597, MONDO:0011484, OMIM 604772.
Ventricular arrhythmias due to cardiac ryanodine receptor calcium release deficiency syndrome. Also called: Autosomal dominant cardiac arrhythmia (Kuhn). Identifiers: MedGen C5542154, MONDO:0020745, OMIM 115000.
Arrhythmogenic right ventricular dysplasia 2. Identifiers: MedGen C1832931.
Cardiomyopathy (CMYO). Also called: Cardiomyopathies. Identifiers: Orphanet 167848, MedGen C0878544, MONDO:0004994, HP:0001638. Inheritance: Various modes of inheritance.

gnomAD v4.1: 6 of 1,613,212 alleles (0.00037%); highest among the groups gnomAD compares: Non-Finnish European, 0.00051%; no homozygotes.

Submissions (3):

Color Diagnostics, LLC DBA Color Health
Classification: Uncertain significance for Cardiomyopathy. Last evaluated: 2024-03-06. Review status: criteria provided, single submitter. Criteria: ACMG Guidelines, 2015. Collection method: clinical testing. Allele origin: germline.
Comment: This missense variant replaces isoleucine with valine at codon 1432 of the RYR2 protein. Computational prediction suggests that this variant may not impact protein structure and function (internally defined REVEL score threshold <= 0.5, PMID: 27666373). To our knowledge, functional studies have not been reported for this variant. This variant has not been reported in individuals affected with cardiovascular disorders in the literature. This variant has been identified in 1/247880 chromosomes in the general population by the Genome Aggregation Database (gnomAD). The available evidence is insufficient to determine the role of this variant in disease conclusively. Therefore, this variant is classified as a Variant of Uncertain Significance.

Fulgent Genetics
Classification: Uncertain significance for Ventricular arrhythmias due to cardiac ryanodine receptor calcium release deficiency syndrome; Catecholaminergic polymorphic ventricular tachycardia 1. Last evaluated: 2021-12-23. Review status: criteria provided, single submitter. Criteria: ACMG Guidelines, 2015. Collection method: clinical testing. Allele origin: unknown.

Labcorp Genetics (formerly Invitae), Labcorp
Classification: Uncertain significance for Catecholaminergic polymorphic ventricular tachycardia 1. Last evaluated: 2021-04-27. Review status: criteria provided, single submitter. Criteria: Invitae Variant Classification Sherloc (09022015). Collection method: clinical testing. Allele origin: germline.
Comment: In summary, the available evidence is currently insufficient to determine the role of this variant in disease. Therefore, it has been classified as a Variant of Uncertain Significance. Advanced modeling of protein sequence and biophysical properties (such as structural, functional, and spatial information, amino acid conservation, physicochemical variation, residue mobility, and thermodynamic stability) performed at Invitae indicates that this missense variant is not expected to disrupt RYR2 protein function. This variant has not been reported in the literature in individuals with RYR2-related conditions. This variant is not present in population databases (ExAC no frequency). This sequence change replaces isoleucine with valine at codon 1432 of the RYR2 protein (p.Ile1432Val). The isoleucine residue is highly conserved and there is a small physicochemical difference between isoleucine and valine.

NM_001035.3(RYR2):c.4294A>G (p.Ile1432Val)

Gene: RYR2 (ryanodine receptor 2; plus strand). Cytogenetic location: 1q43.
Variant type: single nucleotide variant.
Coding change: c.4294A>G on transcript NM_001035.3 (MANE Select); coding-DNA position 4294, A replaced by G.
Protein change: p.Ile1432Val; replaces isoleucine 1432 with valine.
Molecular consequence: missense variant.
Genome position (GRCh38, 1-based): chr1:237,593,494, A>G. VCF-style: chr1-237593494-A-G. GRCh37 (hg19) VCF-style: chr1-237756794-A-G.
Other names: short protein forms I1432V.
Identifiers: ClinVar variation 1349476 (VCV001349476.12), dbSNP rs769163639, ClinGen allele CA345399547.